The following is an entry in ClinVar:

NM_001382391.1(CSPP1):c.-104A>T

Gene: CSPP1 (centrosome and spindle pole associated protein 1; plus strand). Cytogenetic location: 8q13.1.
Variant type: single nucleotide variant.
Coding change: c.-104A>T on transcript NM_001382391.1 (MANE Select); 104 bases upstream of the start codon, A replaced by T.
Molecular consequence: 5 prime UTR variant. On other transcripts: missense variant (3).
Genome position (GRCh38, 1-based): chr8:67,064,445, A>T. VCF-style: chr8-67064445-A-T. GRCh37 (hg19) VCF-style: chr8-67976680-A-T.
Other names: c.-104A>T (NM_001363131.2, NM_001363132.2, NM_001363133.2); c.47A>T, p.Asp16Val (NM_001364869.1, NM_001364870.1, NM_024790.7); short protein forms D16V.
Identifiers: ClinVar variation 1521565 (VCV001521565.6), dbSNP rs1805077545, ClinGen allele CA371208541.

ClinVar aggregate classification (germline): Uncertain significance (1 of 4 stars; one submission).

Conditions:
Joubert syndrome 21 (JBTS21). Identifiers: MedGen C3810212, MONDO:0014288, OMIM 615636.

gnomAD v4.1: 2 of 1,613,940 alleles (0.00012%); highest among the groups gnomAD compares: Non-Finnish European, 0.00017%; no homozygotes.

Submission:

Labcorp Genetics (formerly Invitae), Labcorp
Classification: Uncertain significance for Joubert syndrome 21. Last evaluated: 2021-03-30. Review status: criteria provided, single submitter. Criteria: Invitae Variant Classification Sherloc (09022015). Collection method: clinical testing. Allele origin: germline.
Comment: This sequence change replaces aspartic acid with valine at codon 16 of the CSPP1 protein (p.Asp16Val). The aspartic acid residue is weakly conserved and there is a large physicochemical difference between aspartic acid and valine. In summary, the available evidence is currently insufficient to determine the role of this variant in disease. Therefore, it has been classified as a Variant of Uncertain Significance. Algorithms developed to predict the effect of missense changes on protein structure and function output the following: SIFT: "Deleterious"; PolyPhen-2: "Benign"; Align-GVGD: "Class C0". The valine amino acid residue is found in multiple mammalian species, suggesting that this missense change does not adversely affect protein function. These predictions have not been confirmed by published functional studies and their clinical significance is uncertain. This variant has not been reported in the literature in individuals with CSPP1-related conditions. This variant is not present in population databases (ExAC no frequency).